The following is an entry in ClinVar:

NM_002168.4(IDH2):c.840G>C (p.Lys280Asn)

Gene: IDH2 (isocitrate dehydrogenase (NADP(+)) 2; minus strand). Cytogenetic location: 15q26.1.
Variant type: single nucleotide variant.
Coding change: c.840G>C on transcript NM_002168.4 (MANE Select); coding-DNA position 840, G replaced by C.
Protein change: p.Lys280Asn; replaces lysine 280 with asparagine.
Molecular consequence: missense variant.
Genome position (GRCh38, 1-based): chr15:90,087,239, C>G on the plus strand (G>C on the coding strand, the complement: IDH2 is on the minus strand). VCF-style: chr15-90087239-C-G. GRCh37 (hg19) VCF-style: chr15-90630471-C-G.
Other names: c.684G>C, p.Lys228Asn (NM_001289910.1); c.450G>C, p.Lys150Asn (NM_001290114.2); short protein forms K150N, K228N, K280N.
Identifiers: ClinVar variation 1967232 (VCV001967232.5), dbSNP rs1239921972, ClinGen allele CA393801467.

ClinVar aggregate classification (germline): Uncertain significance (1 of 4 stars; one submission).

Conditions:
D-2-hydroxyglutaric aciduria 2 (D2HGA2). Identifiers: Orphanet 79315, MedGen C3150909, MONDO:0013345, OMIM 613657.

Allele frequency attached by ClinVar (database versions not stated): gnomAD exomes below 0.00001; TOPMed below 0.00001.
gnomAD v4.1: 1 of 1,614,176 alleles (0.000062%); highest among the groups gnomAD compares: Admixed American, 0.0017%; no homozygotes.

Submission:

Labcorp Genetics (formerly Invitae), Labcorp
Classification: Uncertain significance for D-2-hydroxyglutaric aciduria 2. Last evaluated: 2023-12-11. Review status: criteria provided, single submitter. Criteria: Invitae Variant Classification Sherloc (09022015). Collection method: clinical testing. Allele origin: germline.
Comment: This sequence change replaces lysine, which is basic and polar, with asparagine, which is neutral and polar, at codon 280 of the IDH2 protein (p.Lys280Asn). This variant is present in population databases (no rsID available, gnomAD 0.003%). This variant has not been reported in the literature in individuals affected with IDH2-related conditions. ClinVar contains an entry for this variant (Variation ID: 1967232). Advanced modeling of protein sequence and biophysical properties (such as structural, functional, and spatial information, amino acid conservation, physicochemical variation, residue mobility, and thermodynamic stability) performed at Invitae indicates that this missense variant is not expected to disrupt IDH2 protein function with a negative predictive value of 80%. In summary, the available evidence is currently insufficient to determine the role of this variant in disease. Therefore, it has been classified as a Variant of Uncertain Significance.